The following is an entry in ClinVar:

ClinVar aggregate classification (germline): Pathogenic/Likely pathogenic. Review status: criteria provided, multiple submitters, no conflicts (2 of 4 stars). 16 submissions from 16 submitters: Pathogenic (11); Likely pathogenic (1). 4 of the submissions do not count toward it. Last evaluated 2025-12-29.

Conditions:
Hereditary neuropathy or pain disorder.
AARS1-related disorder. Also called: AARS1-related condition.
Charcot-Marie-Tooth disease. Also called: Charcot-Marie-Tooth Hereditary Neuropathy; Charcot-Marie-Tooth Neuropathy. Identifiers: Orphanet 166, MedGen C0007959, MONDO:0015626.
Charcot-Marie-Tooth disease type 2. Also called: Charcot-Marie-Tooth type 2. Identifiers: Orphanet 64746, MedGen C0270914, MONDO:0018993.
Charcot-Marie-Tooth disease axonal type 2N (CMT2N). Also called: Charcot-Marie-Tooth Neuropathy Type 2N; CHARCOT-MARIE-TOOTH DISEASE, AXONAL, AUTOSOMAL DOMINANT, TYPE 2N; CHARCOT-MARIE-TOOTH NEUROPATHY, AXONAL, TYPE 2N. Identifiers: Orphanet 228174, MedGen C2750090, MONDO:0013212, OMIM 613287.

Allele frequency attached by ClinVar (database versions not stated): gnomAD exomes below 0.00001.
gnomAD v4.1: 2 of 1,614,138 alleles (0.00012%); highest among the groups gnomAD compares: Non-Finnish European, 0.000085%; no homozygotes.

Submissions (16):

Labcorp Genetics (formerly Invitae), Labcorp
Classification: Pathogenic for Charcot-Marie-Tooth disease type 2. Last evaluated: 2025-12-29. Review status: criteria provided, single submitter. Criteria: Invitae Variant Classification Sherloc (09022015). Collection method: clinical testing. Allele origin: germline.
Comment: This sequence change replaces arginine, which is basic and polar, with histidine, which is basic and polar, at codon 329 of the AARS protein (p.Arg329His). This variant is not present in population databases (gnomAD no frequency). This missense change has been observed in individuals with autosomal dominant Charcot-Marie-Tooth disease (PMID: 20045102, 22009580). It has also been observed to segregate with disease in related individuals. ClinVar contains an entry for this variant (Variation ID: 8466). Invitae Evidence Modeling of protein sequence and biophysical properties (such as structural, functional, and spatial information, amino acid conservation, physicochemical variation, residue mobility, and thermodynamic stability) has been performed for this missense variant. However, the output from this modeling did not meet the statistical confidence thresholds required to predict the impact of this variant on AARS protein function. Experimental studies have shown that this missense change affects AARS function (PMID: 22009580). For these reasons, this variant has been classified as Pathogenic.

3billion
Classification: Pathogenic for Charcot-Marie-Tooth disease axonal type 2N. Last evaluated: 2025-08-26. Review status: criteria provided, single submitter. Criteria: ACMG Guidelines, 2015. Collection method: clinical testing. Allele origin: germline. Affected: yes.
Comment: The variant is observed at an extremely low frequency in the gnomAD v4.1.0 dataset (total allele frequency: <0.001%). Predicted Consequence/Location: Missense variant Functional studies provide strong evidence of the variant having a damaging effect on the gene or gene product (PMID: 22009580). In silico tool predictions suggest damaging effect of the variant on gene or gene product [REVEL: 0.96 (>=0.6, sensitivity 0.68 and specificity 0.92); 3Cnet: 0.99 (> 0.75, sensitivity 0.96 and precision 0.92)]. The same nucleotide change resulting in the same amino acid change has been previously reported as pathogenic/likely pathogenic with strong evidence (ClinVar ID: VCV000008466 /PMID: 20045102 /3billion dataset). The variant has been reported to co-segregate with the disease in at least 5 similarly affected relatives/individuals in the same family or similarly affected unrelated families (PMID: 22009580). A different missense change at the same codon (p.Arg329Cys) has been reported as pathogenic/likely pathogenic with strong evidence (ClinVar ID: VCV000422259 /PMID: 34446925). Therefore, this variant is classified as Pathogenic according to the recommendation of ACMG/AMP guideline.

GeneDx
Classification: Pathogenic. Last evaluated: 2024-12-12. Review status: criteria provided, single submitter. Criteria: GeneDx Variant Classification Process June 2021. Collection method: clinical testing. Allele origin: germline. Affected: yes.
Comment: Published functional studies demonstrate a damaging effect on enzyme activity (PMID: 22009580); Not observed at significant frequency in large population cohorts (gnomAD); In silico analysis supports that this missense variant has a deleterious effect on protein structure/function; This variant is associated with the following publications: (PMID: 27549087, 31775912, 25476837, 22009580, 28251916, 30373780, 26257172, 20301462, 24088041, 23806086, 30569560, 31701603, 30643024, 32376792, 32314272, 25817015, 34758253, 37273706, 33726816, 36738734, 20045102, 34813128)

Equipe Genetique des Anomalies du Developpement, Université de Bourgogne
Classification: Pathogenic for Charcot-Marie-Tooth disease axonal type 2N. Last evaluated: 2023-12-21. Review status: criteria provided, single submitter. Criteria: ACMG Guidelines, 2015. Collection method: clinical testing. Allele origin: germline. Affected: yes.

Cambridge Genomics Laboratory, East Genomic Laboratory Hub, NHS Genomic Medicine Service
Classification: Pathogenic for Hereditary neuropathy or pain disorder. Last evaluated: 2023-11-24. Review status: criteria provided, single submitter. Criteria: ACGS Best Practice Guidelines for Variant Classification in Rare Disease 2020. Collection method: clinical testing. Allele origin: germline. Affected: yes.
Comment: The missense variant NM_001605.3(AARS1):c.986G>A (p.Arg329His) causes a change at the same amino acid residue as a previously established pathogenic variant. (PM5_Supporting - Supporting) | The p.Arg329His variant is novel (not in any individuals) in gnomAD All. The p.Arg329His variant is novel (not in any individuals) in 1kG All. The p.Arg329His variant is novel (not in any individuals) in gnomAD Genomes v3 All. (PM2 - Moderate) | 4 variants within 6 amino acid positions of the variant p.Arg329His have been shown to be pathogenic, while none have been shown to be benign. (PM1 - Moderate) | The p.Arg329His missense variant is predicted to be damaging by both SIFT and PolyPhen2. The arginine residue at codon 329 of AARS1 is conserved in all mammalian species. The nucleotide c.986 in AARS1 is predicted conserved by GERP++ and PhyloP across 100 vertebrates. (PP3 - Supporting) | Functional studies demonstrate that this variant has a damaging effect on the gene or gene product (PS3 - Strong) | The variant cosegregates with the disease in multiple affected family members. (PP1_Strong - Strong)

Blueprint Genetics
Classification: Pathogenic for AARS1-related disorders. Last evaluated: 2023-04-17. Review status: criteria provided, single submitter. Criteria: ACMG Guidelines, 2015. Collection method: clinical testing. Allele origin: germline. Affected: yes. Observed: 2 variant alleles.

CeGaT Center for Human Genetics Tuebingen
Classification: Pathogenic. Last evaluated: 2021-11-01. Review status: criteria provided, single submitter. Criteria: CeGaT Center For Human Genetics Tuebingen Variant Classification Criteria Version 2. Collection method: clinical testing. Allele origin: germline. Affected: yes. Observed: 1 variant allele.

Laboratório de Neurologia Aplicada e Experimental, Faculdade de Medicina de Ribeirao Preto – Universidade de Sao Paulo
Classification: Pathogenic for Charcot-Marie-Tooth disease axonal type 2N. Last evaluated: 2021-07-20. Review status: criteria provided, single submitter. Criteria: ACMG guidelines 2015. Collection method: research. Allele origin: germline. Inheritance: Autosomal dominant inheritance. Affected: yes. Observed: 1 heterozygote.
Comment: The p.Arg329His variant in AARS1 has been reported in several families worldwide with Charcot-Marie-Tooth's autosomal dominant axonal form (PMID:26032230; 20045102; 22009580; 32314272). This variant is not present in population databases (GnomAD and AbraOM). ClinVar contains an entry for this variant (Variation ID: 8466). In summary, the Arg329His meets our criteria to be classified as pathogenic.

Clinical Genetics and Genomics, Karolinska University Hospital
Classification: Likely pathogenic. Last evaluated: 2017-02-21. Review status: criteria provided, single submitter. Criteria: ACMG Guidelines, 2015. Collection method: clinical testing. Allele origin: germline. Affected: yes. Observed: 1 variant allele.

Lupski Lab, Baylor-Hopkins CMG, Baylor College of Medicine
Classification: Pathogenic for Charcot-Marie-Tooth disease axonal type 2N. Last evaluated: 2015-08-18. Review status: criteria provided, single submitter. Criteria: Latour et al. (Am J Hum Genet. 2010). Collection method: research. Allele origin: paternal. Inheritance: Autosomal dominant inheritance. Affected: yes. Observed: 2 variant alleles, 2 heterozygotes.

Institute of Human Genetics, University Hospital of Duesseldorf
Classification: Pathogenic for Charcot-Marie-Tooth disease axonal type 2N. Review status: criteria provided, single submitter. Criteria: ACMG Guidelines, 2015. Collection method: clinical testing. Allele origin: germline. Affected: yes.

Molecular Genetics Laboratory, London Health Sciences Centre
Classification: Pathogenic for Charcot-Marie-Tooth disease. Review status: criteria provided, single submitter. Criteria: ACMG Guidelines, 2015. Collection method: clinical testing. Allele origin: germline. Affected: yes.

PreventionGenetics, part of Exact Sciences
Classification: Pathogenic for AARS1-related condition. Last evaluated: 2024-08-21. Review status: no assertion criteria provided. Collection method: clinical testing. Allele origin: germline. Not counted in ClinVar's aggregate classification.
Comment: The AARS1 c.986G>A variant is predicted to result in the amino acid substitution p.Arg329His. This variant has been reported in several individuals with Charcot-Marie-Tooth disease and has been demonstrated to segregate with disease in at least three families with Charcot-Marie-Tooth disease (Latour et al. 2010. PubMed ID: 20045102; McLaughlin et al. 2011. PubMed ID: 22009580; Bansagi et al. 2017. PubMed ID: 28251916; Bacquet et al. 2018. PubMed ID: 30373780; Table S2, Volodarsky et al. 2020. PubMed ID: 32376792). In vitro functional analysis demonstrated that expression of this variant results in severely impaired enzyme activity with an ~50-fold decrease in catalytic efficiency compared to wild-type (McLaughlin et al. 2011. PubMed ID: 22009580). This variant has not been reported in a large population database, indicating this variant is rare. This variant has been consistently interpreted as pathogenic by multiple laboratories in the ClinVar database. This variant is interpreted as pathogenic.

Inherited Neuropathy Consortium Ii, University Of Miami
Classification: Uncertain significance for Charcot-Marie-Tooth disease axonal type 2N. Last evaluated: 2016-01-06. Review status: no assertion criteria provided. Collection method: literature only. Allele origin: germline. Affected: yes. Not counted in ClinVar's aggregate classification.

OMIM
Classification: Pathogenic for CHARCOT-MARIE-TOOTH DISEASE, AXONAL, TYPE 2N. Last evaluated: 2012-01-01. Review status: no assertion criteria provided. Collection method: literature only. Allele origin: germline. Not counted in ClinVar's aggregate classification.

Genomics England Pilot Project, Genomics England
Classification: Pathogenic for Charcot-Marie-Tooth disease axonal type 2N. Review status: no assertion criteria provided. Criteria: ACGS Guidelines, 2016. Collection method: clinical testing. Allele origin: germline. Affected: yes. Not counted in ClinVar's aggregate classification.

Literature cited by the submitters: PubMed 20045102 (cited by 4 submitters); PubMed 22009580 (cited by 4 submitters); PubMed 34446925 (cited by 3billion); PubMed 26032230 (cited by Laboratório de Neurologia Aplicada e Experimental, Faculdade de Medicina de Ribeirao Preto – Universidade de Sao Paulo); PubMed 32314272 (cited by Laboratório de Neurologia Aplicada e Experimental, Faculdade de Medicina de Ribeirao Preto – Universidade de Sao Paulo); PubMed 26257172 (cited by Lupski Lab, Baylor-Hopkins CMG, Baylor College of Medicine); PubMed 21208200 (cited by Inherited Neuropathy Consortium Ii, University Of Miami).

NM_001605.3(AARS1):c.986G>A (p.Arg329His)

Gene: AARS1 (alanyl-tRNA synthetase 1; minus strand). Cytogenetic location: 16q22.1.
Variant type: single nucleotide variant.
Coding change: c.986G>A on transcript NM_001605.3 (MANE Select); coding-DNA position 986, G replaced by A.
Protein change: p.Arg329His; replaces arginine 329 with histidine.
Genome position (GRCh38, 1-based): chr16:70,268,356, C>T on the plus strand (G>A on the coding strand, the complement: AARS1 is on the minus strand). VCF-style: chr16-70268356-C-T. GRCh37 (hg19) VCF-style: chr16-70302259-C-T.
Other names: chr16:70268356C>T; short protein forms R329H.
Identifiers: ClinVar variation 8466 (VCV000008466.82), dbSNP rs267606621, ClinGen allele CA254396.